The following is an entry in ClinVar:

NM_000883.4(IMPDH1):c.1742C>T (p.Ser581Leu)

Gene: IMPDH1 (inosine monophosphate dehydrogenase 1; minus strand). Cytogenetic location: 7q32.1.
Variant type: single nucleotide variant.
Coding change: c.1742C>T on transcript NM_000883.4 (MANE Select); coding-DNA position 1742, C replaced by T.
Protein change: p.Ser581Leu; replaces serine 581 with leucine.
Molecular consequence: missense variant.
Genome position (GRCh38, 1-based): chr7:128,394,314, G>A on the plus strand (C>T on the coding strand, the complement: IMPDH1 is on the minus strand). VCF-style: chr7-128394314-G-A. GRCh37 (hg19) VCF-style: chr7-128034368-G-A.
Other names: c.1712C>T, p.Ser571Leu (NM_001102605.2); c.1487C>T, p.Ser496Leu (NM_001142573.2); c.1472C>T, p.Ser491Leu (NM_001142574.2); c.1412C>T, p.Ser471Leu (NM_001142575.2); c.1643C>T, p.Ser548Leu (NM_001142576.2); c.1535C>T, p.Ser512Leu (NM_001304521.2); c.1634C>T, p.Ser545Leu (NM_183243.3); short protein forms S471L, S491L, S496L, S512L, S545L, S548L, S571L, S581L.
Identifiers: ClinVar variation 1009164 (VCV001009164.6), dbSNP rs777660613, ClinGen allele CA4470729.

ClinVar aggregate classification (germline): Uncertain significance (1 of 4 stars; one submission).

Allele frequency attached by ClinVar (database versions not stated): gnomAD 0.00003 and 0.00004; TOPMed 0.00003; gnomAD exomes 0.00004 and 0.00008; ExAC 0.00006.
gnomAD v4.1: 115 of 1,613,914 alleles (0.0071%); highest among the groups gnomAD compares: Non-Finnish European, 0.0092%; no homozygotes.

Submission:

Labcorp Genetics (formerly Invitae), Labcorp
Classification: Uncertain significance. Last evaluated: 2026-01-30. Review status: criteria provided, single submitter. Criteria: Invitae Variant Classification Sherloc (09022015). Collection method: clinical testing. Allele origin: germline.
Comment: This sequence change replaces serine, which is neutral and polar, with leucine, which is neutral and non-polar, at codon 581 of the IMPDH1 protein (p.Ser581Leu). This variant is present in population databases (rs777660613, gnomAD 0.009%). This variant has not been reported in the literature in individuals affected with IMPDH1-related conditions. This missense change has been observed in at least one individual who was not affected with IMPDH1-related conditions (internal data). ClinVar contains an entry for this variant (Variation ID: 1009164). An algorithm developed to predict the effect of missense changes on protein structure and function (PolyPhen-2) suggests that this variant is likely to be disruptive. In summary, the available evidence is currently insufficient to determine the role of this variant in disease. Therefore, it has been classified as a Variant of Uncertain Significance.